The following is an entry in ClinVar:

ClinVar aggregate classification (germline): Uncertain significance. Review status: criteria provided, multiple submitters, no conflicts (2 of 4 stars). 3 submissions from 3 submitters: Uncertain significance (3). Last evaluated 2023-12-05.

Conditions:
Hereditary cancer-predisposing syndrome. Also called: Hereditary Cancer Syndrome; Neoplastic Syndromes, Hereditary; Tumor predisposition; Hereditary neoplastic syndrome. Identifiers: Orphanet 140162, MedGen C0027672, MeSH D009386, MONDO:0015356.
Ataxia-telangiectasia syndrome (AT). Also called: Ataxia-telangiectasia, complementation group D; AT, COMPLEMENTATION GROUP C; Ataxia-telangiectasia; ATAXIA-TELANGIECTASIA, COMPLEMENTATION GROUP A; ATAXIA-TELANGIECTASIA, FRESNO VARIANT; LOUIS-BAR SYNDROME. Identifiers: Orphanet 100, MedGen C0004135, MONDO:0008840, OMIM 208900.

Submissions (3):

Color Diagnostics, LLC DBA Color Health
Classification: Uncertain significance for Hereditary cancer-predisposing syndrome. Last evaluated: 2023-12-05. Review status: criteria provided, single submitter. Criteria: ACMG Guidelines, 2015. Collection method: clinical testing. Allele origin: germline.
Comment: This missense variant replaces serine with threonine at codon 1004 of the ATM protein. Computational prediction suggests that this variant may not impact protein structure and function (internally defined REVEL score threshold <= 0.5, PMID: 27666373). To our knowledge, functional studies have not been reported for this variant. This variant has not been reported in individuals affected with ATM-related disorders in the literature. This variant has not been identified in the general population by the Genome Aggregation Database (gnomAD). The available evidence is insufficient to determine the role of this variant in disease conclusively. Therefore, this variant is classified as a Variant of Uncertain Significance.

Ambry Genetics
Classification: Uncertain significance for Hereditary cancer-predisposing syndrome. Last evaluated: 2023-06-25. Review status: criteria provided, single submitter. Criteria: Ambry Variant Classification Scheme 2023. Collection method: clinical testing. Allele origin: germline.
Comment: The p.S1004T variant (also known as c.3011G>C), located in coding exon 19 of the ATM gene, results from a G to C substitution at nucleotide position 3011. The serine at codon 1004 is replaced by threonine, an amino acid with similar properties. This amino acid position is conserved. In addition, this alteration is predicted to be tolerated by in silico analysis. Since supporting evidence is limited at this time, the clinical significance of this alteration remains unclear.

Labcorp Genetics (formerly Invitae), Labcorp
Classification: Uncertain significance for Ataxia-telangiectasia syndrome. Last evaluated: 2021-10-24. Review status: criteria provided, single submitter. Criteria: Invitae Variant Classification Sherloc (09022015). Collection method: clinical testing. Allele origin: germline.
Comment: In summary, the available evidence is currently insufficient to determine the role of this variant in disease. Therefore, it has been classified as a Variant of Uncertain Significance. Advanced modeling of protein sequence and biophysical properties (such as structural, functional, and spatial information, amino acid conservation, physicochemical variation, residue mobility, and thermodynamic stability) performed at Invitae indicates that this missense variant is not expected to disrupt ATM protein function. ClinVar contains an entry for this variant (Variation ID: 631228). This variant has not been reported in the literature in individuals affected with ATM-related conditions. This variant is not present in population databases (ExAC no frequency). This sequence change replaces serine with threonine at codon 1004 of the ATM protein (p.Ser1004Thr). The serine residue is weakly conserved and there is a small physicochemical difference between serine and threonine.

NM_000051.4(ATM):c.3011G>C (p.Ser1004Thr)

Gene: ATM (ATM serine/threonine kinase; plus strand). Cytogenetic location: 11q22.3.
Variant type: single nucleotide variant.
Coding change: c.3011G>C on transcript NM_000051.4 (MANE Select); coding-DNA position 3011, G replaced by C.
Protein change: p.Ser1004Thr; replaces serine 1004 with threonine.
Molecular consequence: missense variant.
Genome position (GRCh38, 1-based): chr11:108,271,340, G>C. VCF-style: chr11-108271340-G-C. GRCh37 (hg19) VCF-style: chr11-108142067-G-C.
Other names: c.3011G>C, p.Ser1004Thr (NM_001351834.2); short protein forms S1004T.
Identifiers: ClinVar variation 631228 (VCV000631228.12), dbSNP rs1060501696, ClinGen allele CA382547438.